The following is an entry in ClinVar:

NM_018062.4(FANCL):c.361C>T (p.Leu121Phe)

Gene: FANCL (FA complementation group L; minus strand). Cytogenetic location: 2p16.1.
Variant type: single nucleotide variant.
Coding change: c.361C>T on transcript NM_018062.4 (MANE Select); coding-DNA position 361, C replaced by T.
Protein change: p.Leu121Phe; replaces leucine 121 with phenylalanine.
Molecular consequence: missense variant.
Genome position (GRCh38, 1-based): chr2:58,221,955, G>A on the plus strand (C>T on the coding strand, the complement: FANCL is on the minus strand). VCF-style: chr2-58221955-G-A. GRCh37 (hg19) VCF-style: chr2-58449090-G-A.
Other names: c.361C>T, p.Leu121Phe (NM_001114636.2, NM_001374615.1, NM_001410792.1); short protein forms L121F.
Identifiers: ClinVar variation 2158925 (VCV002158925.3), dbSNP rs758757153, ClinGen allele CA1670677.

ClinVar aggregate classification (germline): Uncertain significance. Review status: criteria provided, multiple submitters, no conflicts (2 of 4 stars). 2 submissions from 2 submitters: Uncertain significance (2). Last evaluated 2024-04-10.

Conditions:
Fanconi anemia (FA). Also called: Fanconi's anemia. Identifiers: Orphanet 84, MedGen C0015625, MeSH D005199, MONDO:0019391.

Allele frequency attached by ClinVar (database versions not stated): gnomAD exomes below 0.00001; ExAC 0.00001.
gnomAD v4.1: 2 of 1,610,120 alleles (0.00012%); highest among the groups gnomAD compares: African/African-American, 0.0013%; no homozygotes.

Submissions (2):

Labcorp Genetics (formerly Invitae), Labcorp
Classification: Uncertain significance for Fanconi anemia. Last evaluated: 2024-04-10. Review status: criteria provided, single submitter. Criteria: Invitae Variant Classification Sherloc (09022015). Collection method: clinical testing. Allele origin: germline.
Comment: This sequence change replaces leucine, which is neutral and non-polar, with phenylalanine, which is neutral and non-polar, at codon 121 of the FANCL protein (p.Leu121Phe). This variant is present in population databases (rs758757153, gnomAD 0.003%). This variant has not been reported in the literature in individuals affected with FANCL-related conditions. ClinVar contains an entry for this variant (Variation ID: 2158925). Advanced modeling of protein sequence and biophysical properties (such as structural, functional, and spatial information, amino acid conservation, physicochemical variation, residue mobility, and thermodynamic stability) performed at Invitae indicates that this missense variant is not expected to disrupt FANCL protein function with a negative predictive value of 80%. In summary, the available evidence is currently insufficient to determine the role of this variant in disease. Therefore, it has been classified as a Variant of Uncertain Significance.

Blueprint Genetics
Classification: Uncertain significance. Last evaluated: 2022-06-28. Review status: criteria provided, single submitter. Criteria: ACMG Guidelines, 2015. Collection method: clinical testing. Allele origin: germline.